The following is an entry in ClinVar:

NM_015141.4(GPD1L):c.837C>T (p.Phe279=)

Gene: GPD1L (glycerol-3-phosphate dehydrogenase 1 like; plus strand). Cytogenetic location: 3p22.3.
Variant type: single nucleotide variant.
Coding change: c.837C>T on transcript NM_015141.4 (MANE Select); coding-DNA position 837, C replaced by T.
Protein change: p.Phe279=; no amino-acid change (phenylalanine 279 retained).
Molecular consequence: synonymous variant.
Genome position (GRCh38, 1-based): chr3:32,159,094, C>T. VCF-style: chr3-32159094-C-T. GRCh37 (hg19) VCF-style: chr3-32200586-C-T.
Identifiers: ClinVar variation 463290 (VCV000463290.13), dbSNP rs376724853, ClinGen allele CA2296753.

ClinVar aggregate classification (germline): Likely benign. Review status: criteria provided, multiple submitters, no conflicts (2 of 4 stars). 3 submissions from 3 submitters: Likely benign (3). Last evaluated 2024-11-17.

Conditions:
Cardiovascular phenotype. Identifiers: MedGen CN230736.
Brugada syndrome. Also called: Sudden unexpected nocturnal death syndrome; Sudden Unexplained Death Syndrome; Sudden Unexplained Nocturnal Death Syndrome (SUNDS); Sudden unexplained nocturnal death syndrome. Identifiers: Orphanet 130, MedGen C1142166, MONDO:0015263.

Allele frequency attached by ClinVar (database versions not stated): gnomAD 0.00011 and 0.00013; ExAC 0.00012; TOPMed 0.00014; ESP Exome Variant Server 0.00023.
gnomAD v4.1: 58 of 1,613,342 alleles (0.0036%); highest among the groups gnomAD compares: African/African-American, 0.036%; no homozygotes.

Submissions (3):

Labcorp Genetics (formerly Invitae), Labcorp
Classification: Likely benign for Brugada syndrome. Last evaluated: 2024-11-17. Review status: criteria provided, single submitter. Criteria: Invitae Variant Classification Sherloc (09022015). Collection method: clinical testing. Allele origin: germline.

GeneDx
Classification: Likely benign. Last evaluated: 2021-06-07. Review status: criteria provided, single submitter. Criteria: GeneDx Variant Classification Process June 2021. Collection method: clinical testing. Allele origin: germline. Affected: yes.
Comment: This variant is associated with the following publications: (PMID: 26582918)

Ambry Genetics
Classification: Likely benign for Cardiovascular phenotype. Last evaluated: 2020-02-21. Review status: criteria provided, single submitter. Criteria: Ambry Variant Classification Scheme 2023. Collection method: clinical testing. Allele origin: germline.